The following is an entry in ClinVar:

NM_000257.4(MYH7):c.899T>G (p.Met300Arg)

Gene: MYH7 (myosin heavy chain 7; minus strand). Cytogenetic location: 14q11.2.
Variant type: single nucleotide variant.
Coding change: c.899T>G on transcript NM_000257.4 (MANE Select); coding-DNA position 899, T replaced by G.
Protein change: p.Met300Arg; replaces methionine 300 with arginine.
Molecular consequence: missense variant.
Genome position (GRCh38, 1-based): chr14:23,430,660, A>C on the plus strand (T>G on the coding strand, the complement: MYH7 is on the minus strand). VCF-style: chr14-23430660-A-C. GRCh37 (hg19) VCF-style: chr14-23899869-A-C.
Other names: short protein forms M300R.
Identifiers: ClinVar variation 1393362 (VCV001393362.7), dbSNP rs1892892787, ClinGen allele CA389051793.

ClinVar aggregate classification (germline): Uncertain significance. Review status: criteria provided, multiple submitters, no conflicts (2 of 4 stars). 2 submissions from 2 submitters: Uncertain significance (2). Last evaluated 2023-03-03.

Conditions:
Hypertrophic cardiomyopathy. Also called: HYPERTROPHIC MYOCARDIOPATHY. Identifiers: Orphanet 217569, MedGen C0007194, MeSH D002312, MONDO:0005045, HP:0001639.
Cardiovascular phenotype. Identifiers: MedGen CN230736.

Submissions (2):

Ambry Genetics
Classification: Uncertain significance for Cardiovascular phenotype. Last evaluated: 2023-03-03. Review status: criteria provided, single submitter. Criteria: Ambry Variant Classification Scheme 2023. Collection method: clinical testing. Allele origin: germline.
Comment: The p.M300R variant (also known as c.899T>G), located in coding exon 9 of the MYH7 gene, results from a T to G substitution at nucleotide position 899. The methionine at codon 300 is replaced by arginine, an amino acid with similar properties. This alteration is located in the myosin head domain, which contains a statistically significant clustering of pathogenic missense variants (Homburger JR et al. Proc Natl Acad Sci U S A, 2016 06;113:6701-6; Walsh R et al. Genet Med, 2017 02;19:192-203; Ambry internal data). This amino acid position is highly conserved in available vertebrate species. In addition, this alteration is predicted to be deleterious by in silico analysis. Since supporting evidence is limited at this time, the clinical significance of this alteration remains unclear.

Labcorp Genetics (formerly Invitae), Labcorp
Classification: Uncertain significance for Hypertrophic cardiomyopathy. Last evaluated: 2021-11-14. Review status: criteria provided, single submitter. Criteria: Invitae Variant Classification Sherloc (09022015). Collection method: clinical testing. Allele origin: germline.
Comment: In summary, the available evidence is currently insufficient to determine the role of this variant in disease. Therefore, it has been classified as a Variant of Uncertain Significance. This variant is found within a region of MYH7 between codons 181 and 937 that contains the majority of the myosin head domain. Missense variants in this region have been shown to be significantly overrepresented in individuals with hypertrophic cardiomyopathy (PMID: 27532257). Algorithms developed to predict the effect of sequence changes on RNA splicing suggest that this variant may create or strengthen a splice site. Algorithms developed to predict the effect of missense changes on protein structure and function are either unavailable or do not agree on the potential impact of this missense change (SIFT: "Deleterious"; PolyPhen-2: "Benign"; Align-GVGD: "Class C0"). This variant has not been reported in the literature in individuals affected with MYH7-related conditions. This variant is not present in population databases (gnomAD no frequency). This sequence change replaces methionine, which is neutral and non-polar, with arginine, which is basic and polar, at codon 300 of the MYH7 protein (p.Met300Arg).

Literature cited by the submitters: PubMed 27532257 (cited by Labcorp Genetics (formerly Invitae), Labcorp).